The following is an entry in ClinVar:

ClinVar aggregate classification (germline): Uncertain significance. Review status: criteria provided, multiple submitters, no conflicts (2 of 4 stars). 2 submissions from 2 submitters: Uncertain significance (2). Last evaluated 2023-07-22.

Allele frequency attached by ClinVar (database versions not stated): gnomAD 0.00003; gnomAD exomes below 0.00001.

Submissions (2):

GeneDx
Classification: Uncertain significance. Last evaluated: 2023-07-22. Review status: criteria provided, single submitter. Criteria: GeneDx Variant Classification Process June 2021. Collection method: clinical testing. Allele origin: germline. Affected: yes.
Comment: In silico analysis supports that this missense variant does not alter protein structure/function; Has not been previously published as pathogenic or benign to our knowledge

Genetic Services Laboratory, University of Chicago
Classification: Uncertain significance. Last evaluated: 2018-09-10. Review status: criteria provided, single submitter. Criteria: ACMG Guidelines, 2015. Collection method: clinical testing. Allele origin: germline. Affected: no.

NM_174916.3(UBR1):c.3196A>G (p.Met1066Val)

Gene: UBR1 (ubiquitin protein ligase E3 component n-recognin 1; minus strand). Cytogenetic location: 15q15.2.
Variant type: single nucleotide variant.
Coding change: c.3196A>G on transcript NM_174916.3 (MANE Select); coding-DNA position 3196, A replaced by G.
Protein change: p.Met1066Val; replaces methionine 1066 with valine.
Molecular consequence: missense variant.
Genome position (GRCh38, 1-based): chr15:43,015,701, T>C on the plus strand (A>G on the coding strand, the complement: UBR1 is on the minus strand). VCF-style: chr15-43015701-T-C. GRCh37 (hg19) VCF-style: chr15-43307899-T-C.
Other names: short protein forms M1066V.
Identifiers: ClinVar variation 1336839 (VCV001336839.5), dbSNP rs776583103, ClinGen allele CA7518238.
Genomic context (GRCh38, chr15:43,015,701, plus strand): 5'-TAAAAAAAAAAAATTGAGTTGGTAATTTTTGGTTTGCTTTATTTTACCTCTCTTCCTCCA[T>C]AATGGAATCTTCTTTCCCAGGCATTTCTGATGTATTGTCATACATGAGTTTATGAGTTTC-3'
Protein context (NP_777576.1, residues 1056-1076): SEMPGKEDSI[Met1066Val]EEESTPAVSD